The following is an entry in ClinVar:

NM_032119.4(ADGRV1):c.3841G>A (p.Val1281Ile)

Gene: ADGRV1 (adhesion G protein-coupled receptor V1; plus strand). Cytogenetic location: 5q14.3.
Variant type: single nucleotide variant.
Coding change: c.3841G>A on transcript NM_032119.4 (MANE Select); coding-DNA position 3841, G replaced by A.
Protein change: p.Val1281Ile; replaces valine 1281 with isoleucine.
Molecular consequence: missense variant. On other transcripts: non-coding transcript variant (1).
Genome position (GRCh38, 1-based): chr5:90,653,415, G>A. VCF-style: chr5-90653415-G-A. GRCh37 (hg19) VCF-style: chr5-89949232-G-A.
Other names: short protein forms V1281I.
Identifiers: ClinVar variation 517291 (VCV000517291.4), dbSNP rs1294773650, ClinGen allele CA360399262.

ClinVar aggregate classification (germline): Uncertain significance (1 of 4 stars; one submission).

Allele frequency attached by ClinVar (database versions not stated): gnomAD exomes below 0.00001 and 0.00001; TOPMed below 0.00001.
gnomAD v4.1: 16 of 1,613,956 alleles (0.00099%); highest among the groups gnomAD compares: Non-Finnish European, 0.0013%; no homozygotes.

Submission:

Laboratory for Molecular Medicine, Mass General Brigham Personalized Medicine
Classification: Uncertain significance. Last evaluated: 2017-03-28. Review status: criteria provided, single submitter. Criteria: LMM Criteria. Collection method: clinical testing. Allele origin: germline. Observed: 1 variant allele.
Comment: The p.Val1281Ile variant in GPR98 has not been previously reported in individual s with hearing loss. This variant has been identified in 1/111606 European chro mosomes by the Genome Aggregation Database (gnomAD .org). Although this variant has been seen in the general population, its freque ncy is not high enough to rule out a pathogenic role. Computational prediction t ools and conservation analysis do not provide strong support for or against an i mpact to the protein. In summary, the clinical significance of the p.Val1281Ile variant is uncertain.